The following is an entry in ClinVar:

ClinVar aggregate classification (germline): Uncertain significance. Review status: criteria provided, multiple submitters, no conflicts (2 of 4 stars). 3 submissions from 3 submitters: Uncertain significance (3). Last evaluated 2025-06-23.

Conditions:
Pheochromocytoma/paraganglioma syndrome 5. Also called: Paragangliomas 5; SDHA-Related Hereditary Paraganglioma-Pheochromocytoma Syndrome. Identifiers: Orphanet 29072, MedGen C3279992, MONDO:0013602, OMIM 614165.
Mitochondrial complex II deficiency, nuclear type 1. Also called: SUCCINATE CoQ REDUCTASE DEFICIENCY. Identifiers: Orphanet 3208, MedGen C5700310, MONDO:0100294, OMIM 252011.
Hereditary cancer-predisposing syndrome. Also called: Neoplastic Syndromes, Hereditary; Hereditary Cancer Syndrome; Hereditary neoplastic syndrome; Tumor predisposition. Identifiers: Orphanet 140162, MedGen C0027672, MeSH D009386, MONDO:0015356.

Allele frequency attached by ClinVar (database versions not stated): gnomAD 0.00001.
gnomAD v4.1: 1 of 1,604,948 alleles (0.000062%); highest among the groups gnomAD compares: Non-Finnish European, 0.000085%; no homozygotes.

Submissions (3):

Labcorp Genetics (formerly Invitae), Labcorp
Classification: Uncertain significance for Pheochromocytoma/paraganglioma syndrome 5; Mitochondrial complex II deficiency, nuclear type 1. Last evaluated: 2025-06-23. Review status: criteria provided, single submitter. Criteria: Invitae Variant Classification Sherloc (09022015). Collection method: clinical testing. Allele origin: germline.
Comment: This sequence change replaces alanine, which is neutral and non-polar, with glycine, which is neutral and non-polar, at codon 449 of the SDHA protein (p.Ala449Gly). This variant is not present in population databases (gnomAD no frequency). This variant has not been reported in the literature in individuals affected with SDHA-related conditions. ClinVar contains an entry for this variant (Variation ID: 472323). Invitae Evidence Modeling of protein sequence and biophysical properties (such as structural, functional, and spatial information, amino acid conservation, physicochemical variation, residue mobility, and thermodynamic stability) has been performed for this missense variant. However, the output from this modeling did not meet the statistical confidence thresholds required to predict the impact of this variant on SDHA protein function. In summary, the available evidence is currently insufficient to determine the role of this variant in disease. Therefore, it has been classified as a Variant of Uncertain Significance.

Helix
Classification: Uncertain significance for Pheochromocytoma/paraganglioma syndrome 5. Last evaluated: 2024-11-22. Review status: criteria provided, single submitter. Criteria: ACMG Guidelines, 2015. Collection method: clinical testing. Allele origin: germline. Inheritance: Autosomal dominant inheritance.
Comment: This variant (NM_004168.4:c.1346C>G p.Ala449Gly) results in the substitution of alanine with glycine at codon 449 in the SDHA protein. It is a rare variant that is absent from the non-cancer cohort of the large gnomAD population database (PMID: 32461654). To our knowledge, this variant has not been reported in individuals with SDHA-related conditions. In silico prediction from REVEL (PMID: 27666373) is indeterminate. This variant is present in ClinVar (Accession: VCV000472323.12). In conclusion, since the available evidence is limited, the clinical significance of this variant is unclear at this time. Therefore, it is classified as a Variant of Uncertain Significance.

Ambry Genetics
Classification: Uncertain significance for Hereditary cancer-predisposing syndrome. Last evaluated: 2023-09-08. Review status: criteria provided, single submitter. Criteria: Ambry Variant Classification Scheme 2023. Collection method: clinical testing. Allele origin: germline.
Comment: The p.A449G variant (also known as c.1346C>G), located in coding exon 10 of the SDHA gene, results from a C to G substitution at nucleotide position 1346. The alanine at codon 449 is replaced by glycine, an amino acid with similar properties. This amino acid position is highly conserved in available vertebrate species. In addition, the in silico prediction for this alteration is inconclusive. Since supporting evidence is limited at this time, the clinical significance of this alteration remains unclear.

NM_004168.4(SDHA):c.1346C>G (p.Ala449Gly)

Gene: SDHA (succinate dehydrogenase complex flavoprotein subunit A; plus strand). Cytogenetic location: 5p15.33.
Variant type: single nucleotide variant.
Coding change: c.1346C>G on transcript NM_004168.4 (MANE Select); coding-DNA position 1346, C replaced by G.
Protein change: p.Ala449Gly; replaces alanine 449 with glycine.
Molecular consequence: missense variant.
Genome position (GRCh38, 1-based): chr5:236,513, C>G. VCF-style: chr5-236513-C-G. GRCh37 (hg19) VCF-style: chr5-236628-C-G.
Other names: c.1202C>G, p.Ala401Gly (NM_001294332.2); c.1346C>G, p.Ala449Gly (NM_001330758.2); short protein forms A449G, A401G.
Identifiers: ClinVar variation 472323 (VCV000472323.14), dbSNP rs201139275, ClinGen allele CA359013974.